The following is an entry in ClinVar:

ClinVar aggregate classification (germline): Uncertain significance (1 of 4 stars; one submission).

Conditions:
Alstrom syndrome (ALMS). Identifiers: Orphanet 64, MedGen C0268425, MONDO:0008763, OMIM 203800.

Submission:

Labcorp Genetics (formerly Invitae), Labcorp
Classification: Uncertain significance for Alstrom syndrome. Last evaluated: 2020-12-05. Review status: criteria provided, single submitter. Criteria: Invitae Variant Classification Sherloc (09022015). Collection method: clinical testing. Allele origin: germline.
Comment: In summary, the available evidence is currently insufficient to determine the role of this variant in disease. Therefore, it has been classified as a Variant of Uncertain Significance. Experimental studies and prediction algorithms are not available or were not evaluated, and the functional significance of this variant is currently unknown. This variant has not been reported in the literature in individuals with ALMS1-related conditions. This variant is not present in population databases (ExAC no frequency). This sequence change replaces serine with phenylalanine at codon 1806 of the ALMS1 protein (p.Ser1806Phe). The serine residue is weakly conserved and there is a large physicochemical difference between serine and phenylalanine.

NM_001378454.1(ALMS1):c.5414C>T (p.Ser1805Phe)

Gene: ALMS1 (ALMS1 centrosome and basal body associated protein; plus strand). Cytogenetic location: 2p13.1.
Variant type: single nucleotide variant.
Coding change: c.5414C>T on transcript NM_001378454.1 (MANE Select); coding-DNA position 5414, C replaced by T.
Protein change: p.Ser1805Phe; replaces serine 1805 with phenylalanine.
Molecular consequence: missense variant.
Genome position (GRCh38, 1-based): chr2:73,451,941, C>T. VCF-style: chr2-73451941-C-T. GRCh37 (hg19) VCF-style: chr2-73679068-C-T.
Other names: c.5417C>T, p.Ser1806Phe (NM_015120.4); short protein forms S1805F, S1806F.
Identifiers: ClinVar variation 1352617 (VCV001352617.4), dbSNP rs2103786414, ClinGen allele CA347282014.